The following is an entry in ClinVar:

NM_001206927.2(DNAH8):c.5224G>A (p.Asp1742Asn)

Gene: DNAH8 (dynein axonemal heavy chain 8; plus strand). Cytogenetic location: 6p21.2.
Variant type: single nucleotide variant.
Coding change: c.5224G>A on transcript NM_001206927.2 (MANE Select); coding-DNA position 5224, G replaced by A.
Protein change: p.Asp1742Asn; replaces aspartic acid 1742 with asparagine.
Molecular consequence: missense variant.
Genome position (GRCh38, 1-based): chr6:38,850,275, G>A. VCF-style: chr6-38850275-G-A. GRCh37 (hg19) VCF-style: chr6-38818051-G-A.
Other names: c.4573G>A, p.Asp1525Asn (NM_001371.4); short protein forms D1525N, D1742N.
Identifiers: ClinVar variation 648541 (VCV000648541.10), dbSNP rs199737918, ClinGen allele CA3789328.

ClinVar aggregate classification (germline): Uncertain significance. Review status: criteria provided, multiple submitters, no conflicts (2 of 4 stars). 3 submissions from 3 submitters: Uncertain significance (3). Last evaluated 2026-02-03.

Conditions:
Primary ciliary dyskinesia. Also called: Ciliary dyskinesia. Identifiers: Orphanet 244, MedGen C0008780, MONDO:0016575, HP:0012265.

Allele frequency attached by ClinVar (database versions not stated): 1000 Genomes Project 30x 0.00016; 1000 Genomes Project 0.00020; ESP Exome Variant Server 0.00008; gnomAD 0.00008 and 0.00006; gnomAD exomes 0.00009 and 0.00010; TOPMed 0.00009; ExAC 0.00010.
gnomAD v4.1: 140 of 1,613,226 alleles (0.0087%); highest among the groups gnomAD compares: Middle Eastern, 0.083%; 2 homozygotes.

Submissions (3):

Labcorp Genetics (formerly Invitae), Labcorp
Classification: Uncertain significance for Primary ciliary dyskinesia. Last evaluated: 2026-02-03. Review status: criteria provided, single submitter. Criteria: Invitae Variant Classification Sherloc (09022015). Collection method: clinical testing. Allele origin: germline.
Comment: This sequence change replaces aspartic acid, which is acidic and polar, with asparagine, which is neutral and polar, at codon 1742 of the DNAH8 protein (p.Asp1742Asn). This variant is present in population databases (rs199737918, gnomAD 0.02%). This variant has not been reported in the literature in individuals affected with DNAH8-related conditions. ClinVar contains an entry for this variant (Variation ID: 648541). Invitae Evidence Modeling of protein sequence and biophysical properties (such as structural, functional, and spatial information, amino acid conservation, physicochemical variation, residue mobility, and thermodynamic stability) indicates that this missense variant is not expected to disrupt DNAH8 protein function with a negative predictive value of 80%. In summary, the available evidence is currently insufficient to determine the role of this variant in disease. Therefore, it has been classified as a Variant of Uncertain Significance.

Ambry Genetics
Classification: Uncertain significance. Last evaluated: 2021-09-16. Review status: criteria provided, single submitter. Criteria: Ambry Variant Classification Scheme 2023. Collection method: clinical testing. Allele origin: germline.

Breakthrough Genomics
Classification: Uncertain significance. Review status: criteria provided, single submitter. Criteria: ACMG Guidelines, 2015. Collection method: not provided. Allele origin: germline. Inheritance: Autosomal recessive inheritance. Affected: yes.